The following is an entry in ClinVar:

NM_004656.4(BAP1):c.436dup (p.Arg146fs)

Gene: BAP1 (BRCA1 associated deubiquitinase 1; minus strand). Cytogenetic location: 3p21.1.
Variant type: Duplication.
Coding change: c.436dup on transcript NM_004656.4 (MANE Select); coding-DNA position 436, one base duplicated (A; older notation c.436dupA).
Protein change: p.Arg146fs; shifts the reading frame from arginine 146.
Molecular consequence: frameshift variant.
Genome position (GRCh38, 1-based): chr3:52,407,400, T duplicated on the plus strand (A on the coding strand, the reverse complement: BAP1 is on the minus strand). VCF-style (leftmost placement, unchanged base first): chr3-52407399-C-CT. GRCh37 (hg19) VCF-style: chr3-52441415-C-CT.
Other names: short protein forms R146fs.
Identifiers: ClinVar variation 1072297 (VCV001072297.9), dbSNP rs2153227933, ClinGen allele CA2499216951.

ClinVar aggregate classification (germline): Pathogenic. Review status: criteria provided, multiple submitters, no conflicts (2 of 4 stars). 3 submissions from 3 submitters: Pathogenic (3). Last evaluated 2025-04-16.

Conditions:
Hereditary cancer-predisposing syndrome. Also called: Tumor predisposition; Hereditary neoplastic syndrome; Neoplastic Syndromes, Hereditary; Hereditary Cancer Syndrome. Identifiers: Orphanet 140162, MedGen C0027672, MeSH D009386, MONDO:0015356.
BAP1-related tumor predisposition syndrome (TPDS1). Also called: TUMOR PREDISPOSITION SYNDROME 1; Tumor susceptibility linked to germline BAP1 mutations; BAP1 tumor predisposition syndrome; COMMON Syndrome. Identifiers: Orphanet 289539, MedGen C3280492, MONDO:0013692, OMIM 614327.

Submissions (3):

Labcorp Genetics (formerly Invitae), Labcorp
Classification: Pathogenic for BAP1-related tumor predisposition syndrome. Last evaluated: 2025-04-16. Review status: criteria provided, single submitter. Criteria: Invitae Variant Classification Sherloc (09022015). Collection method: clinical testing. Allele origin: germline.
Comment: This sequence change creates a premature translational stop signal (p.Arg146Lysfs*9) in the BAP1 gene. It is expected to result in an absent or disrupted protein product. Loss-of-function variants in BAP1 are known to be pathogenic (PMID: 21874000, 23684012). This variant is not present in population databases (gnomAD no frequency). This premature translational stop signal has been observed in individual(s) with mesothelioma and breast cancer (PMID: 30975761). ClinVar contains an entry for this variant (Variation ID: 1072297). For these reasons, this variant has been classified as Pathogenic.

Myriad Genetics, Inc.
Classification: Pathogenic for BAP1-related tumor predisposition syndrome. Last evaluated: 2023-11-07. Review status: criteria provided, single submitter. Criteria: Myriad Autosomal Dominant, Autosomal Recessive and X-Linked Classification Criteria (2023). Collection method: clinical testing. Allele origin: unknown.
Comment: This variant is considered pathogenic. This variant creates a frameshift predicted to result in premature protein truncation.

Ambry Genetics
Classification: Pathogenic for Hereditary cancer-predisposing syndrome. Last evaluated: 2023-01-31. Review status: criteria provided, single submitter. Criteria: Ambry Variant Classification Scheme 2023. Collection method: clinical testing. Allele origin: germline.
Comment: The c.436dupA pathogenic mutation, located in coding exon 6 of the BAP1 gene, results from a duplication of A at nucleotide position 436, causing a translational frameshift with a predicted alternate stop codon (p.R146Kfs*9). This alteration is expected to result in loss of function by premature protein truncation or nonsense-mediated mRNA decay. This variant is considered to be rare based on population cohorts in the Genome Aggregation Database (gnomAD). As such, this alteration is interpreted as a disease-causing mutation.

Literature cited by the submitters: PubMed 21874000 (cited by Labcorp Genetics (formerly Invitae), Labcorp); PubMed 23684012 (cited by Labcorp Genetics (formerly Invitae), Labcorp); PubMed 30975761 (cited by Labcorp Genetics (formerly Invitae), Labcorp).